The following is an entry in ClinVar:

NM_001330360.2(POLA1):c.158A>G (p.Tyr53Cys)

Gene: POLA1 (DNA polymerase alpha 1, catalytic subunit; plus strand). Cytogenetic location: Xp22.11.
Variant type: single nucleotide variant.
Coding change: c.158A>G on transcript NM_001330360.2 (MANE Select); coding-DNA position 158, A replaced by G.
Protein change: p.Tyr53Cys; replaces tyrosine 53 with cysteine.
Molecular consequence: missense variant. On other transcripts: non-coding transcript variant (2).
Genome position (GRCh38, 1-based): chrX:24,699,539, A>G. VCF-style: chrX-24699539-A-G. GRCh37 (hg19) VCF-style: chrX-24717656-A-G.
Other names: c.158A>G, p.Tyr53Cys (NM_001378303.1, NM_001440806.1); c.140A>G, p.Tyr47Cys (NM_016937.4); short protein forms Y47C, Y53C.
Identifiers: ClinVar variation 4740831 (VCV004740831.1).

ClinVar aggregate classification (germline): Uncertain significance (1 of 4 stars; one submission).

Submission:

Labcorp Genetics (formerly Invitae), Labcorp
Classification: Uncertain significance. Last evaluated: 2025-06-03. Review status: criteria provided, single submitter. Criteria: Invitae Variant Classification Sherloc (09022015). Collection method: clinical testing. Allele origin: germline.
Comment: This sequence change replaces tyrosine, which is neutral and polar, with cysteine, which is neutral and slightly polar, at codon 47 of the POLA1 protein (p.Tyr47Cys). This variant is not present in population databases (gnomAD no frequency). This variant has not been reported in the literature in individuals affected with POLA1-related conditions. Invitae Evidence Modeling of protein sequence and biophysical properties (such as structural, functional, and spatial information, amino acid conservation, physicochemical variation, residue mobility, and thermodynamic stability) indicates that this missense variant is not expected to disrupt POLA1 protein function with a negative predictive value of 80%. In summary, the available evidence is currently insufficient to determine the role of this variant in disease. Therefore, it has been classified as a Variant of Uncertain Significance.